The following is an entry in ClinVar:

NM_201384.3(PLEC):c.8918G>A (p.Cys2973Tyr)

Gene: PLEC (plectin; minus strand). Cytogenetic location: 8q24.3.
Variant type: single nucleotide variant.
Coding change: c.8918G>A on transcript NM_201384.3 (MANE Select); coding-DNA position 8918, G replaced by A.
Protein change: p.Cys2973Tyr; replaces cysteine 2973 with tyrosine.
Molecular consequence: missense variant.
Genome position (GRCh38, 1-based): chr8:143,920,903, C>T on the plus strand (G>A on the coding strand, the complement: PLEC is on the minus strand). VCF-style: chr8-143920903-C-T. GRCh37 (hg19) VCF-style: chr8-144995071-C-T.
Other names: c.8999G>A, p.Cys3000Tyr (NM_000445.5); c.8876G>A, p.Cys2959Tyr (NM_201378.4); c.8852G>A, p.Cys2951Tyr (NM_201379.3); c.9329G>A, p.Cys3110Tyr (NM_201380.4); c.8822G>A, p.Cys2941Tyr (NM_201381.3); c.8918G>A, p.Cys2973Tyr (NM_201382.4); c.8930G>A, p.Cys2977Tyr (NM_201383.3); c.8999G>A (NM_000445.3); short protein forms C3000Y, C3110Y, C2941Y, C2973Y, C2951Y, C2959Y, C2977Y.
Identifiers: ClinVar variation 967898 (VCV000967898.8), dbSNP rs782206744, ClinGen allele CA4925138.
Genomic context (GRCh38, chr8:143,920,903, plus strand): 5'-TCGATGACCCTGCTCTCCAGCAGCTCGGCGGCTGGCACCAGGCTGCGCAGGCCCTCAAAG[C>T]AAAGCCGGCCCTTCTGCTCCTGCTCCTCCACCACCGTGATGATGATCTTGATGATCTTCT-3'
Protein context (NP_958786.1, residues 2963-2983): VEEQEQKGRL[Cys2973Tyr]FEGLRSLVPA

ClinVar aggregate classification (germline): Uncertain significance. Review status: criteria provided, multiple submitters, no conflicts (2 of 4 stars). 3 submissions from 3 submitters: Uncertain significance (3). Last evaluated 2025-08-04.

Conditions:
Epidermolysis bullosa simplex 5B, with muscular dystrophy (EBS5B). Also called: Epidermolysis bullosa simplex with muscular dystrophy; EPIDERMOLYSIS BULLOSA SIMPLEX AND LIMB-GIRDLE MUSCULAR DYSTROPHY. Identifiers: Orphanet 257, MedGen C2931072, MONDO:0009181, OMIM 226670.
Autosomal recessive limb-girdle muscular dystrophy type 2Q (LGMDR17). Also called: MUSCULAR DYSTROPHY, LIMB-GIRDLE, AUTOSOMAL RECESSIVE 17. Identifiers: Orphanet 254361, MedGen C3150989, MONDO:0013390, OMIM 613723.
Epidermolysis bullosa simplex with nail dystrophy (EBS5D). Identifiers: MedGen C4225309, MONDO:0014661, OMIM 616487.
Epidermolysis bullosa simplex 5C, with pyloric atresia (EBS5C). Also called: PLEC-Related Epidermolysis Bullosa with Pyloric Atresia; Epidermolysis bullosa simplex with pyloric atresia; PLEC1-Related Epidermolysis Bullosa with Pyloric Atresia. Identifiers: Orphanet 158684, MedGen C2677349, MONDO:0012807, OMIM 612138.
Epidermolysis bullosa simplex, Ogna type (EBS5A). Also called: Pidermolysis bullosa simplex 5A, Ogna type; EPIDERMOLYSIS BULLOSA SIMPLEX 5A, OGNA TYPE. Identifiers: Orphanet 79401, MedGen C0432317, MONDO:0007555, OMIM 131950.
Inborn genetic diseases. Identifiers: MedGen C0950123, MeSH D030342.

Allele frequency attached by ClinVar (database versions not stated): ExAC 0.00001; gnomAD exomes 0.00001; gnomAD 0.00002; TOPMed 0.00002.

Submissions (3):

Labcorp Genetics (formerly Invitae), Labcorp
Classification: Uncertain significance for Autosomal recessive limb-girdle muscular dystrophy type 2Q; Epidermolysis bullosa simplex, Ogna type; Epidermolysis bullosa simplex with nail dystrophy; Epidermolysis bullosa simplex 5C, with pyloric atresia; Epidermolysis bullosa simplex 5B, with muscular dystrophy. Last evaluated: 2025-08-04. Review status: criteria provided, single submitter. Criteria: Invitae Variant Classification Sherloc (09022015). Collection method: clinical testing. Allele origin: germline.
Comment: This sequence change replaces cysteine, which is neutral and slightly polar, with tyrosine, which is neutral and polar, at codon 3000 of the PLEC protein (p.Cys3000Tyr). This variant is present in population databases (rs782206744, gnomAD 0.006%). This variant has not been reported in the literature in individuals affected with PLEC-related conditions. ClinVar contains an entry for this variant (Variation ID: 967898). Invitae Evidence Modeling of protein sequence and biophysical properties (such as structural, functional, and spatial information, amino acid conservation, physicochemical variation, residue mobility, and thermodynamic stability) indicates that this missense variant is not expected to disrupt PLEC protein function with a negative predictive value of 80%. In summary, the available evidence is currently insufficient to determine the role of this variant in disease. Therefore, it has been classified as a Variant of Uncertain Significance.

GeneDx
Classification: Uncertain significance. Last evaluated: 2024-10-23. Review status: criteria provided, single submitter. Criteria: GeneDx Variant Classification Process June 2021. Collection method: clinical testing. Allele origin: germline. Affected: yes.
Comment: Not observed at significant frequency in large population cohorts (gnomAD); In silico analysis supports that this missense variant has a deleterious effect on protein structure/function; Missense variant in a gene in which most reported pathogenic variants are truncating/loss of function; Has not been previously published as pathogenic or benign to our knowledge

Ambry Genetics
Classification: Uncertain significance for Inborn genetic diseases. Last evaluated: 2024-05-16. Review status: criteria provided, single submitter. Criteria: Ambry Variant Classification Scheme 2023. Collection method: clinical testing. Allele origin: germline.